The following is an entry in ClinVar:

NM_016417.3(GLRX5):c.204C>T (p.Gly68=)

Gene: GLRX5 (glutaredoxin 5; plus strand). Cytogenetic location: 14q32.13.
Variant type: single nucleotide variant.
Coding change: c.204C>T on transcript NM_016417.3 (MANE Select); coding-DNA position 204, C replaced by T.
Protein change: p.Gly68=; no amino-acid change (glycine 68 retained).
Molecular consequence: synonymous variant.
Genome position (GRCh38, 1-based): chr14:95,535,293, C>T. VCF-style: chr14-95535293-C-T. GRCh37 (hg19) VCF-style: chr14-96001630-C-T.
Identifiers: ClinVar variation 382277 (VCV000382277.43), dbSNP rs71431696, ClinGen allele CA7333893.

ClinVar aggregate classification (germline): Benign/Likely benign. Review status: criteria provided, multiple submitters, no conflicts (2 of 4 stars). 5 submissions from 5 submitters: Benign (2); Likely benign (3). Last evaluated 2026-08-01.

Allele frequency attached by ClinVar (database versions not stated): 1000 Genomes Project 0.00260; 1000 Genomes Project 30x 0.00297; gnomAD exomes 0.00423; ESP Exome Variant Server 0.00495; TOPMed 0.00513; gnomAD 0.00516 and 0.00534; ExAC 0.00795.
gnomAD v4.1: 11,929 of 1,564,932 alleles (0.76%); highest among the groups gnomAD compares: Non-Finnish European, 0.96%; 62 homozygotes.

Submissions (5):

CeGaT Center for Human Genetics Tuebingen
Classification: Likely benign. Last evaluated: 2026-08-01. Review status: criteria provided, single submitter. Criteria: CeGaT Center For Human Genetics Tuebingen Variant Classification Criteria Version 2. Collection method: clinical testing. Allele origin: germline. Affected: yes. Observed: 31 variant alleles.
Comment: GLRX5: BP4, BP7, BS2

Labcorp Genetics (formerly Invitae), Labcorp
Classification: Benign. Last evaluated: 2026-01-31. Review status: criteria provided, single submitter. Criteria: Invitae Variant Classification Sherloc (09022015). Collection method: clinical testing. Allele origin: germline.

Blueprint Genetics
Classification: Likely benign. Last evaluated: 2024-11-20. Review status: criteria provided, single submitter. Criteria: ACMG Guidelines, 2015. Collection method: clinical testing. Allele origin: germline.

GeneDx
Classification: Benign. Last evaluated: 2017-04-18. Review status: criteria provided, single submitter. Criteria: GeneDx Variant Classification (06012015). Collection method: clinical testing. Allele origin: germline. Affected: yes.
Comment: This variant is considered likely benign or benign based on one or more of the following criteria: it is a conservative change, it occurs at a poorly conserved position in the protein, it is predicted to be benign by multiple in silico algorithms, and/or has population frequency not consistent with disease.

Breakthrough Genomics
Classification: Likely benign. Review status: criteria provided, single submitter. Criteria: ACMG Guidelines, 2015. Collection method: not provided. Allele origin: germline. Inheritance: Autosomal recessive inheritance. Affected: yes.